The following is an entry in ClinVar:

ClinVar aggregate classification (germline): Uncertain significance (1 of 4 stars; one submission).

Submission:

Labcorp Genetics (formerly Invitae), Labcorp
Classification: Uncertain significance. Last evaluated: 2020-02-21. Review status: criteria provided, single submitter. Criteria: Invitae Variant Classification Sherloc (09022015). Collection method: clinical testing. Allele origin: germline.
Comment: This sequence change replaces serine with arginine at codon 155 of the RP1 protein (p.Ser155Arg). The serine residue is weakly conserved and there is a moderate physicochemical difference between serine and arginine. This variant is not present in population databases (ExAC no frequency). This variant has not been reported in the literature in individuals with RP1-related conditions. Algorithms developed to predict the effect of missense changes on protein structure and function output the following: SIFT: "Tolerated"; PolyPhen-2: "Benign"; Align-GVGD: "Class C0". The arginine amino acid residue is found in multiple mammalian species, suggesting that this missense change does not adversely affect protein function. These predictions have not been confirmed by published functional studies and their clinical significance is uncertain. In summary, the available evidence is currently insufficient to determine the role of this variant in disease. Therefore, it has been classified as a Variant of Uncertain Significance.

NM_006269.2(RP1):c.465C>G (p.Ser155Arg)

Gene: RP1 (RP1 axonemal microtubule associated; plus strand). Cytogenetic location: 8q12.1.
Variant type: single nucleotide variant.
Coding change: c.465C>G on transcript NM_006269.2 (MANE Select); coding-DNA position 465, C replaced by G.
Protein change: p.Ser155Arg; replaces serine 155 with arginine.
Molecular consequence: missense variant.
Genome position (GRCh38, 1-based): chr8:54,621,431, C>G. VCF-style: chr8-54621431-C-G. GRCh37 (hg19) VCF-style: chr8-55533991-C-G.
Other names: c.465C>G, p.Ser155Arg (NM_001375654.1); short protein forms S155R.
Identifiers: ClinVar variation 858854 (VCV000858854.9), dbSNP rs1805870273, ClinGen allele CA370986953.
Genomic context (GRCh38, chr8:54,621,431, plus strand): 5'-GCACTCACCGCCCCACCCCGTAGCCGTCGCTGCTCCCGGCATGCCCCGCCCCCCACGGAG[C>G]CTAGTGGTCTTCAGGAATGGCGACCCGAAGACGAGGCGTGCGGTTCTTCTGAGCAGGAGG-3'
Protein context (NP_006260.1, residues 145-165): AAPGMPRPPR[Ser155Arg]LVVFRNGDPK